The following is an entry in ClinVar:

ClinVar aggregate classification (germline): Uncertain significance (1 of 4 stars; one submission).

Submission:

Labcorp Genetics (formerly Invitae), Labcorp
Classification: Uncertain significance. Last evaluated: 2023-09-20. Review status: criteria provided, single submitter. Criteria: Invitae Variant Classification Sherloc (09022015). Collection method: clinical testing. Allele origin: germline.
Comment: In summary, the available evidence is currently insufficient to determine the role of this variant in disease. Therefore, it has been classified as a Variant of Uncertain Significance. Advanced modeling of protein sequence and biophysical properties (such as structural, functional, and spatial information, amino acid conservation, physicochemical variation, residue mobility, and thermodynamic stability) performed at Invitae indicates that this missense variant is expected to disrupt CTNNA1 protein function. This variant has not been reported in the literature in individuals affected with CTNNA1-related conditions. This variant is not present in population databases (gnomAD no frequency). This sequence change replaces lysine, which is basic and polar, with isoleucine, which is neutral and non-polar, at codon 414 of the CTNNA1 protein (p.Lys414Ile).

NM_001903.5(CTNNA1):c.1241A>T (p.Lys414Ile)

Gene: CTNNA1 (catenin alpha 1; plus strand). Cytogenetic location: 5q31.2.
Variant type: single nucleotide variant.
Coding change: c.1241A>T on transcript NM_001903.5 (MANE Select); coding-DNA position 1241, A replaced by T.
Protein change: p.Lys414Ile; replaces lysine 414 with isoleucine.
Molecular consequence: missense variant. On other transcripts: 5 prime UTR variant (5), intron variant (2).
Genome position (GRCh38, 1-based): chr5:138,887,587, A>T. VCF-style: chr5-138887587-A-T. GRCh37 (hg19) VCF-style: chr5-138223276-A-T.
Other names: c.1241A>T, p.Lys414Ile (NM_001290307.3, NM_001323982.2, NM_001323983.1 and 3 more transcripts); c.932A>T, p.Lys311Ile (NM_001290309.3); c.872A>T, p.Lys291Ile (NM_001290310.3); c.131A>T, p.Lys44Ile (NM_001290312.1, NM_001323987.1, NM_001323988.1 and 18 more transcripts); c.-267A>T (NM_001324006.1, NM_001324007.1, NM_001324008.1 and 1 more transcripts); c.-142A>T (NM_001324013.1); c.-58+11990A>T (NM_001324012.1); c.-61+11990A>T (NM_001324010.1); short protein forms K291I, K311I, K414I, K44I.
Identifiers: ClinVar variation 2762084 (VCV002762084.3), dbSNP rs2533015240, ClinGen allele CA361133150.